The following is an entry in ClinVar:

NM_001145809.2(MYH14):c.6093A>C (p.Pro2031=)

Gene: MYH14 (myosin heavy chain 14; plus strand). Cytogenetic location: 19q13.33.
Variant type: single nucleotide variant.
Coding change: c.6093A>C on transcript NM_001145809.2 (MANE Select); coding-DNA position 6093, A replaced by C.
Protein change: p.Pro2031=; no amino-acid change (proline 2031 retained).
Molecular consequence: synonymous variant.
Genome position (GRCh38, 1-based): chr19:50,309,772, A>C. VCF-style: chr19-50309772-A-C. GRCh37 (hg19) VCF-style: chr19-50813029-A-C.
Other names: c.5994A>C, p.Pro1998= (NM_001077186.2); c.5970A>C, p.Pro1990= (NM_024729.4).
Identifiers: ClinVar variation 3037879 (VCV003037879.2), dbSNP rs1341681735, ClinGen allele CA508184480.
Genomic context (GRCh38, chr19:50,309,772, plus strand): 5'-CGAGGAGGCAGAGGAAGCACAGCCTGGGTCTGGGCCATCCCCGGAGCCTGAGGGGTCCCC[A>C]CCAGCCCACCCCCAGTGACCCTACCCTGTCCCCAGATGCACTAACAGATGGGGCCCAGCC-3'
Protein context (NP_001139281.1, residues 2021-2036): SGPSPEPEGS[Pro2031=]PAHPQ

ClinVar aggregate classification (germline): Likely benign (0 of 4 stars; one submission).

Conditions:
MYH14-related disorder. Also called: MYH14-related condition.

Submission:

PreventionGenetics, part of Exact Sciences
Classification: Likely benign for MYH14-related condition. Last evaluated: 2020-03-24. Review status: no assertion criteria provided. Collection method: clinical testing. Allele origin: germline.
Comment: This variant is classified as likely benign based on ACMG/AMP sequence variant interpretation guidelines (Richards et al. 2015 PMID: 25741868, with internal and published modifications).